The following is an entry in ClinVar:

ClinVar aggregate classification (germline): Uncertain significance (1 of 4 stars; one submission).

Conditions:
Agammaglobulinemia 3, autosomal recessive (AGM3). Also called: AGAMMAGLOBULINEMIA 3; AGAMMAGLOBULINEMIA, AUTOSOMAL RECESSIVE, DUE TO CD79A DEFECT. Identifiers: MedGen C3150751, MONDO:0013288, OMIM 613501.

Allele frequency attached by ClinVar (database versions not stated): gnomAD exomes 0.00001; TOPMed 0.00001.
gnomAD v4.1: 14 of 1,612,098 alleles (0.00087%); highest among the groups gnomAD compares: Admixed American, 0.005%; no homozygotes.

Submission:

Labcorp Genetics (formerly Invitae), Labcorp
Classification: Uncertain significance for Agammaglobulinemia 3, autosomal recessive. Last evaluated: 2024-10-15. Review status: criteria provided, single submitter. Criteria: Invitae Variant Classification Sherloc (09022015). Collection method: clinical testing. Allele origin: germline.
Comment: This sequence change replaces arginine, which is basic and polar, with glutamine, which is neutral and polar, at codon 143 of the CD79A protein (p.Arg143Gln). The frequency data for this variant in the population databases is considered unreliable, as metrics indicate poor data quality at this position in the gnomAD database. This variant has not been reported in the literature in individuals affected with CD79A-related conditions. ClinVar contains an entry for this variant (Variation ID: 2175654). An algorithm developed to predict the effect of missense changes on protein structure and function (PolyPhen-2) suggests that this variant is likely to be tolerated. In summary, the available evidence is currently insufficient to determine the role of this variant in disease. Therefore, it has been classified as a Variant of Uncertain Significance.

NM_001783.4(CD79A):c.428G>A (p.Arg143Gln)

Genes: CD79A (CD79a molecule; plus strand), RPS19-CD79A (RPS19-CD79A readthrough; plus strand). Cytogenetic location: 19q13.2.
Variant type: single nucleotide variant.
Coding change: c.428G>A on transcript NM_001783.4 (MANE Select); coding-DNA position 428, G replaced by A.
Protein change: p.Arg143Gln; replaces arginine 143 with glutamine.
Molecular consequence: missense variant.
Genome position (GRCh38, 1-based): chr19:41,879,583, G>A. VCF-style: chr19-41879583-G-A. GRCh37 (hg19) VCF-style: chr19-42383653-G-A.
Other names: c.314G>A, p.Arg105Gln (NM_021601.4); short protein forms R143Q, R105Q.
Identifiers: ClinVar variation 2175654 (VCV002175654.4), dbSNP rs1555843732, ClinGen allele CA406036327.